The following is an entry in ClinVar:

ClinVar aggregate classification (germline): Uncertain significance (1 of 4 stars; one submission).

Submission:

Ambry Genetics
Classification: Uncertain significance. Last evaluated: 2025-01-17. Review status: criteria provided, single submitter. Criteria: Ambry Variant Classification Scheme 2023. Collection method: clinical testing. Allele origin: germline.
Comment: The p.V298A variant (also known as c.893T>C), located in coding exon 6 of the ATRIP gene, results from a T to C substitution at nucleotide position 893. The valine at codon 298 is replaced by alanine, an amino acid with similar properties. This amino acid position is conserved. In addition, this alteration is predicted to be tolerated by in silico analysis. Based on the available evidence, the clinical significance of this variant remains unclear.

NM_130384.3(ATRIP):c.893T>C (p.Val298Ala)

Genes: ATRIP (ATR interacting protein; plus strand), ATRIP-TREX1 (ATRIP-TREX1 readthrough; plus strand). Cytogenetic location: 3p21.31.
Variant type: single nucleotide variant.
Coding change: c.893T>C on transcript NM_130384.3 (MANE Select); coding-DNA position 893, T replaced by C.
Protein change: p.Val298Ala; replaces valine 298 with alanine.
Molecular consequence: missense variant. On other transcripts: non-coding transcript variant (1).
Genome position (GRCh38, 1-based): chr3:48,459,422, T>C. VCF-style: chr3-48459422-T-C. GRCh37 (hg19) VCF-style: chr3-48500821-T-C.
Other names: c.512T>C, p.Val171Ala (NM_001271022.2); c.614T>C, p.Val205Ala (NM_001271023.2); c.893T>C, p.Val298Ala (NM_032166.4); short protein forms V171A, V205A, V298A.
Identifiers: ClinVar variation 3809969 (VCV003809969.1).